The following is an entry in ClinVar:

NM_000277.3(PAH):c.113TCT[1] (p.Phe39del)

Gene: PAH (phenylalanine hydroxylase; minus strand). Cytogenetic location: 12q23.2.
Variant type: Microsatellite.
Coding change: c.113TCT[1] on transcript NM_000277.3 (MANE Select); one copy of the 3-base unit TCT starting at c.113; the reference has two copies in a row; one copy, 3 bases deleted; also written c.116_118del.
Protein change: p.Phe39del; deletes phenylalanine 39.
Molecular consequence: inframe deletion.
Genome position (GRCh38, 1-based): chr12:102,912,841-102,912,843, AGA deleted on the plus strand (TCT on the coding strand, the reverse complement: PAH is on the minus strand); deleting any 3 consecutive bases within chr12:102,912,841-102,912,846 gives the same sequence; the position shown is the placement nearest the transcript's 3' end. VCF-style (leftmost placement, unchanged base first): chr12-102912840-GAGA-G. GRCh37 (hg19) VCF-style: chr12-103306618-GAGA-G.
Other names: NM_000277.3(PAH):c.113_115TCT[1]; p.Phe39del; c.113TCT[1], p.Phe39del (NM_001354304.2); c.116_118del (NM_000277.3); c.116_118delTCT (NM_000277.2); short protein forms F39del.
Identifiers: ClinVar variation 188933 (VCV000188933.71), dbSNP rs199475565, ClinGen allele CA229364.
Genomic context (GRCh38, chr12:102,912,840, plus strand): 5'-GTAGCACTGACCTCAAATAAGCGCAATACTTTGGCCAATGCACCAACTTCTTCTTTGAGT[GAGA>G]AGATCAGTGATATGGCACCATTTTGATTGCAGTTGTCTTCAATATAGCTTGTTTCCTACA-3'

ClinVar aggregate classification (germline): Pathogenic. Review status: reviewed by expert panel (3 of 4 stars). 15 submissions from 15 submitters: Pathogenic (1). 14 of the submissions do not count toward it. Last evaluated 2023-12-30.

Conditions:
PAH-related disorder. Also called: PAH-related condition.
Phenylketonuria (PKU). Also called: OLIGOPHRENIA PHENYLPYRUVICA; FOLLING DISEASE; Phenylketonurias; Phenylketonuria (PKU). Identifiers: Orphanet 716, MedGen C0031485, MONDO:0009861, OMIM 261600. Disease mechanism: loss of function.

Submissions (15):

ClinGen PAH Variant Curation Expert Panel
Classification: Pathogenic for Phenylketonuria. Last evaluated: 2023-12-30. Review status: reviewed by expert panel. Criteria: ClinGen PAH ACMG Specifications v1. Collection method: curation. Allele origin: germline. Inheritance: Autosomal recessive inheritance.
Comment: This c.113_115TCTdel (p.Phe39del) variant is also known as c.115_117delTTC (p.Phe39del) in the literature. This variant in PAH was reported in 3 Chinese patients with PAH deficiency (PMID: 26503515). DHPR activity, biopterin and/or pteridine analysis was performed to rule out other causes of hyperphenylalaninemia. This variant was documented in 5 patients with PAH deficiency with a pathogenic or likely pathogenic variant in trans (PMID: 16256386, 23500595, 26542770, 29102225, 12655550). This variant is present in European (non-Finnish) populations at a frequency of 0.000035 (gnomAD), and in European (non-Finnish) populations at a frequency of 0.000045 (ExAC). This variant changes the protein length from an in-frame deletion in a non-repetitive region. Functional analysis of this variant found that it is associated with approximately 20% residual enzyme activity (PMID: 11161839; 17935162). In summary, this variant meets criteria to be classified as pathogenic for PAH. PAH-specific ACMG/AMP criteria applied: PM2_supporting, PP4_moderate, PM4, PS3-supporting, PM3_strong.

Labcorp Genetics (formerly Invitae), Labcorp
Classification: Pathogenic for Phenylketonuria. Last evaluated: 2025-11-23. Review status: criteria provided, single submitter. Criteria: Invitae Variant Classification Sherloc (09022015). Collection method: clinical testing. Allele origin: germline. Not counted in ClinVar's aggregate classification.
Comment: This variant, c.116_118del, results in the deletion of 1 amino acid(s) of the PAH protein (p.Phe39del), but otherwise preserves the integrity of the reading frame. This variant is present in population databases (rs762462102, gnomAD 0.004%). This variant has been observed in individual(s) with phenylketonuria (PMID: 9452062, 12655550, 16256386, 19394257, 23500595, 26210745, 26542770). This variant is also known as DF39. ClinVar contains an entry for this variant (Variation ID: 188933). Experimental studies and prediction algorithms are not available or were not evaluated, and the functional significance of this variant is currently unknown. This variant disrupts the p.Phe39 amino acid residue in PAH. Other variant(s) that disrupt this residue have been determined to be pathogenic (PMID: 206386, 8592329, 8659548, 12655544, 12655553, 17935162). This suggests that this residue is clinically significant, and that variants that disrupt this residue are likely to be disease-causing. For these reasons, this variant has been classified as Pathogenic.

CeGaT Center for Human Genetics Tuebingen
Classification: Pathogenic. Last evaluated: 2025-07-01. Review status: criteria provided, single submitter. Criteria: CeGaT Center For Human Genetics Tuebingen Variant Classification Criteria Version 2. Collection method: clinical testing. Allele origin: germline. Affected: yes. Observed: 3 variant alleles. Not counted in ClinVar's aggregate classification.
Comment: PAH: PM3:Strong, PM2, PP4:Moderate, PM4:Supporting, PS3:Supporting

Natera, Inc.
Classification: Pathogenic for Phenylketonuria. Last evaluated: 2025-06-15. Review status: criteria provided, single submitter. Criteria: Natera Variant Classification Schema (03/2026). Collection method: clinical testing. Allele origin: germline. Not counted in ClinVar's aggregate classification.
Comment: The c.116_118delTCT variant in PAH is an in-frame deletion predicted to remove phenylalanine at amino acid 39 while preserving the reading frame. This variant is rare in the general population with a frequency below the threshold expected for the associated phenotype(s). This variant has been observed in one or more individuals affected with the associated recessive disease, as either homozygous or compound heterozygous with a second variant (PMID: 17502162). Given the available evidence, this variant is classified as Pathogenic.

Baylor Genetics
Classification: Pathogenic for Phenylketonuria. Last evaluated: 2024-02-22. Review status: criteria provided, single submitter. Criteria: ACMG Guidelines, 2015. Collection method: clinical testing. Allele origin: unknown. Not counted in ClinVar's aggregate classification.

Laboratory of Medical Genetics, National & Kapodistrian University of Athens
Classification: Pathogenic for Phenylketonuria. Last evaluated: 2024-02-01. Review status: criteria provided, single submitter. Criteria: ACMG Guidelines, 2015. Collection method: curation. Allele origin: germline. Affected: no. Not counted in ClinVar's aggregate classification.

Blueprint Genetics
Classification: Pathogenic for PAH-related disorders. Last evaluated: 2023-11-07. Review status: criteria provided, single submitter. Criteria: ACMG Guidelines, 2015. Collection method: clinical testing. Allele origin: germline. Affected: yes. Observed: 1 variant allele. Not counted in ClinVar's aggregate classification.

GeneDx
Classification: Pathogenic. Last evaluated: 2023-06-13. Review status: criteria provided, single submitter. Criteria: GeneDx Variant Classification Process June 2021. Collection method: clinical testing. Allele origin: germline. Affected: yes. Not counted in ClinVar's aggregate classification.
Comment: Published functional studies demonstrate a damaging effect on enzyme activity (Gjetting et al., 2001; Zurfluh et al, 2008); In-frame deletion of 1 amino acid in a non-repeat region predicted to critically alter the protein; Not observed at significant frequency in large population cohorts (gnomAD); In silico analysis supports a deleterious effect on protein structure/function; This variant is associated with the following publications: (PMID: 27121329, 26503515, 23430918, 34828281, 23500595, 17935162, 8406445, 18294361, 21147011, 28676969, 29499199, 34440436, 31589614, 32668217, 28182360, 35405047, 36246604, 11161839)

Department of Pathology and Laboratory Medicine, Sinai Health System
Classification: Pathogenic for Phenylketonuria. Last evaluated: 2023-02-21. Review status: criteria provided, single submitter. Criteria: ACMG Guidelines, 2015. Collection method: research. Allele origin: germline. Not counted in ClinVar's aggregate classification.

Fulgent Genetics
Classification: Likely pathogenic for Phenylketonuria. Last evaluated: 2021-09-07. Review status: criteria provided, single submitter. Criteria: ACMG Guidelines, 2015. Collection method: clinical testing. Allele origin: unknown. Not counted in ClinVar's aggregate classification.

Revvity Omics, Revvity
Classification: Pathogenic for Phenylketonuria. Last evaluated: 2020-10-01. Review status: criteria provided, single submitter. Criteria: ACMG Guidelines, 2015. Collection method: clinical testing. Allele origin: germline. Not counted in ClinVar's aggregate classification.

Women's Health and Genetics/Laboratory Corporation of America, LabCorp
Classification: Pathogenic for Phenylketonuria. Last evaluated: 2018-11-23. Review status: criteria provided, single submitter. Criteria: LabCorp Variant Classification Summary - May 2015. Collection method: clinical testing. Allele origin: germline. Not counted in ClinVar's aggregate classification.
Comment: Variant summary: PAH c.116_118delTCT (p.Phe39del) results in an in-frame deletion that is predicted to remove a Phe amino acid from the encoded protein. The variant allele was found at a frequency of 1.6e-05 in 246172 control chromosomes. c.116_118delTCT has been reported in the literature in multiple individuals affected with classic and mild Phenylalanine Hydroxylase Deficiency (Phenylketonuria) and mild hyperphenylalaninemia (Aldamiz-Echevarria_2016 and Zurfluh_2008). The variant was indicated to have 20% PAH enzyme activity (Zurfluh_2008). These data indicate that the variant is very likely to be associated with disease. A ClinVar submission from a clinical diagnostic laboratory (evaluation after 2014) cites the variant as pathogenic. Based on the evidence outlined above, the variant was classified as pathogenic.

Eurofins Ntd Llc (ga)
Classification: Pathogenic. Last evaluated: 2014-10-30. Review status: criteria provided, single submitter. Criteria: EGL Classification Definitions 2015. Collection method: clinical testing. Allele origin: germline. Observed: 1 variant allele, 1 heterozygote. Not counted in ClinVar's aggregate classification.

Counsyl
Classification: Likely pathogenic for Phenylketonuria. Last evaluated: 2014-08-22. Review status: no assertion criteria provided. Collection method: literature only. Allele origin: unknown. Inheritance: Autosomal recessive inheritance. Not counted in ClinVar's aggregate classification.

DeBelle Laboratory for Biochemical Genetics, MUHC/MCH RESEARCH INSTITUTE
No classification provided. Review status: no classification provided. Collection method: not provided. Allele origin: not provided. Not counted in ClinVar's aggregate classification.

Literature cited by the submitters: PubMed 29102225 (cited by ClinGen PAH Variant Curation Expert Panel); PubMed 26542770 (cited by ClinGen PAH Variant Curation Expert Panel and Labcorp Genetics (formerly Invitae), Labcorp); PubMed 11161839 (cited by ClinGen PAH Variant Curation Expert Panel); PubMed 23500595 (cited by 4 submitters); PubMed 12655550 (cited by 3 submitters); PubMed 16256386 (cited by 3 submitters); PubMed 17935162 (cited by 5 submitters); PubMed 26503515 (cited by ClinGen PAH Variant Curation Expert Panel); PubMed 9452062 (cited by Labcorp Genetics (formerly Invitae), Labcorp and Counsyl); PubMed 19394257 (cited by Labcorp Genetics (formerly Invitae), Labcorp and Counsyl); PubMed 26210745 (cited by Labcorp Genetics (formerly Invitae), Labcorp); PubMed 206386 (cited by Labcorp Genetics (formerly Invitae), Labcorp); PubMed 8592329 (cited by Labcorp Genetics (formerly Invitae), Labcorp); PubMed 8659548 (cited by Labcorp Genetics (formerly Invitae), Labcorp); PubMed 12655544 (cited by Labcorp Genetics (formerly Invitae), Labcorp); PubMed 12655553 (cited by Labcorp Genetics (formerly Invitae), Labcorp and Counsyl); PubMed 17502162 (cited by Natera, Inc.); PubMed 19292873 (cited by Eurofins Ntd Llc (ga) and Counsyl); PubMed 8406445 (cited by Eurofins Ntd Llc (ga) and Counsyl); PubMed 23430918 (cited by Counsyl); PubMed 24350308 (cited by Counsyl); PubMed 23932990 (cited by Counsyl); PubMed 21147011 (cited by Counsyl); PubMed 23357515 (cited by Counsyl); PubMed 19609714 (cited by Counsyl); PubMed 17096675 (cited by Counsyl); PubMed 23792259 (cited by Counsyl); PubMed 10394930 (cited by Counsyl).